The following is an entry in ClinVar:

NM_001519.4(BRF1):c.471+96C>T

Gene: BRF1 (BRF1 general transcription factor IIIB subunit; minus strand). Cytogenetic location: 14q32.33.
Variant type: single nucleotide variant.
Coding change: c.471+96C>T on transcript NM_001519.4 (MANE Select); 96 bases into the intron after coding-DNA position 471, C replaced by T.
Molecular consequence: intron variant. On other transcripts: synonymous variant (1).
Genome position (GRCh38, 1-based): chr14:105,256,422, G>A on the plus strand (C>T on the coding strand, the complement: BRF1 is on the minus strand). VCF-style: chr14-105256422-G-A. GRCh37 (hg19) VCF-style: chr14-105722759-G-A.
Other names: c.567C>T, p.His189= (NM_001242790.2); c.126+96C>T (NM_001440451.1, NM_001242787.2, NM_001242786.2); c.390+96C>T (NM_001242788.2); c.471+96C>T (NM_001440450.1, NM_001440449.1).
Identifiers: ClinVar variation 4874026 (VCV004874026.2).

ClinVar aggregate classification (germline): Likely benign (1 of 4 stars; one submission).

gnomAD v4.1: 21 of 1,613,184 alleles (0.0013%); highest among the groups gnomAD compares: Admixed American, 0.0033%; no homozygotes.

Submission:

CeGaT Center for Human Genetics Tuebingen
Classification: Likely benign. Last evaluated: 2026-05-01. Review status: criteria provided, single submitter. Criteria: CeGaT Center For Human Genetics Tuebingen Variant Classification Criteria Version 2. Collection method: clinical testing. Allele origin: germline. Affected: yes. Observed: 1 variant allele.
Comment: BRF1: BP4, BP7